The following is an entry in ClinVar:

ClinVar aggregate classification (germline): Uncertain significance (1 of 4 stars; one submission).

Allele frequency attached by ClinVar (database versions not stated): gnomAD 0.00001; TOPMed 0.00001; gnomAD exomes 0.00002.

Submission:

Labcorp Genetics (formerly Invitae), Labcorp
Classification: Uncertain significance. Last evaluated: 2025-01-13. Review status: criteria provided, single submitter. Criteria: Invitae Variant Classification Sherloc (09022015). Collection method: clinical testing. Allele origin: germline.
Comment: This sequence change replaces proline, which is neutral and non-polar, with leucine, which is neutral and non-polar, at codon 359 of the IRF2BP2 protein (p.Pro359Leu). This variant is present in population databases (no rsID available, gnomAD 0.006%). This variant has not been reported in the literature in individuals affected with IRF2BP2-related conditions. ClinVar contains an entry for this variant (Variation ID: 1991137). An algorithm developed to predict the effect of missense changes on protein structure and function outputs the following: PolyPhen-2: "Probably Damaging". The leucine amino acid residue is found in multiple mammalian species, which suggests that this missense change does not adversely affect protein function. In summary, the available evidence is currently insufficient to determine the role of this variant in disease. Therefore, it has been classified as a Variant of Uncertain Significance.

NM_182972.3(IRF2BP2):c.1076C>T (p.Pro359Leu)

Gene: IRF2BP2 (interferon regulatory factor 2 binding protein 2; minus strand). Cytogenetic location: 1q42.3.
Variant type: single nucleotide variant.
Coding change: c.1076C>T on transcript NM_182972.3 (MANE Select); coding-DNA position 1076, C replaced by T.
Protein change: p.Pro359Leu; replaces proline 359 with leucine.
Molecular consequence: missense variant.
Genome position (GRCh38, 1-based): chr1:234,607,825, G>A on the plus strand (C>T on the coding strand, the complement: IRF2BP2 is on the minus strand). VCF-style: chr1-234607825-G-A. GRCh37 (hg19) VCF-style: chr1-234743571-G-A.
Other names: c.1028C>T, p.Pro343Leu (NM_001077397.1); short protein forms P359L, P343L.
Identifiers: ClinVar variation 1991137 (VCV001991137.4), dbSNP rs1194029127, ClinGen allele CA345307111.